The following is an entry in ClinVar:

NM_004360.5(CDH1):c.1100A>T (p.Asp367Val)

Gene: CDH1 (cadherin 1; plus strand). Cytogenetic location: 16q22.1.
Variant type: single nucleotide variant.
Coding change: c.1100A>T on transcript NM_004360.5 (MANE Select); coding-DNA position 1100, A replaced by T.
Protein change: p.Asp367Val; replaces aspartic acid 367 with valine.
Molecular consequence: missense variant. On other transcripts: 5 prime UTR variant (2).
Genome position (GRCh38, 1-based): chr16:68,812,226, A>T. VCF-style: chr16-68812226-A-T. GRCh37 (hg19) VCF-style: chr16-68846129-A-T.
Other names: c.1100A>T, p.Asp367Val (NM_001317184.2); c.-516A>T (NM_001317185.2); c.-720A>T (NM_001317186.2); short protein forms D367V.
Identifiers: ClinVar variation 5033954 (VCV005033954.1).

ClinVar aggregate classification (germline): Uncertain significance (1 of 4 stars; one submission).

Conditions:
Hereditary cancer-predisposing syndrome. Also called: Neoplastic Syndromes, Hereditary; Tumor predisposition; Hereditary neoplastic syndrome; Hereditary Cancer Syndrome. Identifiers: Orphanet 140162, MedGen C0027672, MeSH D009386, MONDO:0015356.

Submission:

Ambry Genetics
Classification: Uncertain significance for Hereditary cancer-predisposing syndrome. Last evaluated: 2026-07-06. Review status: criteria provided, single submitter. Criteria: Ambry Variant Classification Scheme 2023. Collection method: clinical testing. Allele origin: germline.
Comment: The p.D367V variant (also known as c.1100A>T), located in coding exon 8 of the CDH1 gene, results from an A to T substitution at nucleotide position 1100. The aspartic acid at codon 367 is replaced by valine, an amino acid with highly dissimilar properties. This amino acid position is conserved. In addition, this alteration is predicted to be deleterious by in silico analysis. Based on the available evidence, the clinical significance of this variant remains unclear.